The following is an entry in ClinVar:

ClinVar aggregate classification (germline): Uncertain significance (1 of 4 stars; one submission).

Allele frequency attached by ClinVar (database versions not stated): gnomAD exomes below 0.00001; gnomAD 0.00001; TOPMed 0.00001.

Submission:

Labcorp Genetics (formerly Invitae), Labcorp
Classification: Uncertain significance. Last evaluated: 2021-08-01. Review status: criteria provided, single submitter. Criteria: Invitae Variant Classification Sherloc (09022015). Collection method: clinical testing. Allele origin: germline.
Comment: In summary, the available evidence is currently insufficient to determine the role of this variant in disease. Therefore, it has been classified as a Variant of Uncertain Significance. Algorithms developed to predict the effect of missense changes on protein structure and function are either unavailable or do not agree on the potential impact of this missense change (SIFT: "Deleterious"; PolyPhen-2: "Possibly Damaging"; Align-GVGD: "Class C0"). This variant has not been reported in the literature in individuals affected with SBF1-related conditions. This variant is not present in population databases (ExAC no frequency). This sequence change replaces valine with methionine at codon 389 of the SBF1 protein (p.Val389Met). The valine residue is weakly conserved and there is a small physicochemical difference between valine and methionine.

NM_002972.4(SBF1):c.1165G>A (p.Val389Met)

Gene: SBF1 (SET binding factor 1; minus strand). Cytogenetic location: 22q13.33.
Variant type: single nucleotide variant.
Coding change: c.1165G>A on transcript NM_002972.4 (MANE Select); coding-DNA position 1165, G replaced by A.
Protein change: p.Val389Met; replaces valine 389 with methionine.
Molecular consequence: missense variant.
Genome position (GRCh38, 1-based): chr22:50,465,253, C>T on the plus strand (G>A on the coding strand, the complement: SBF1 is on the minus strand). VCF-style: chr22-50465253-C-T. GRCh37 (hg19) VCF-style: chr22-50903682-C-T.
Other names: c.1168G>A, p.Val390Met (NM_001365819.1); short protein forms V389M, V390M.
Identifiers: ClinVar variation 1494743 (VCV001494743.4), dbSNP rs2067698268, ClinGen allele CA412218776.